The following is an entry in ClinVar:

NM_015103.3(PLXND1):c.3189C>G (p.Phe1063Leu)

Gene: PLXND1 (plexin D1; minus strand). Cytogenetic location: 3q22.1.
Variant type: single nucleotide variant.
Coding change: c.3189C>G on transcript NM_015103.3 (MANE Select); coding-DNA position 3189, C replaced by G.
Protein change: p.Phe1063Leu; replaces phenylalanine 1063 with leucine.
Molecular consequence: missense variant.
Genome position (GRCh38, 1-based): chr3:129,571,733, G>C on the plus strand (C>G on the coding strand, the complement: PLXND1 is on the minus strand). VCF-style: chr3-129571733-G-C. GRCh37 (hg19) VCF-style: chr3-129290576-G-C.
Other names: short protein forms F1063L.
Identifiers: ClinVar variation 1723017 (VCV001723017.2), dbSNP rs2533159725, ClinGen allele CA354484789.

ClinVar aggregate classification (germline): Uncertain significance (1 of 4 stars; one submission).

Submission:

GeneDx
Classification: Uncertain significance. Last evaluated: 2022-04-05. Review status: criteria provided, single submitter. Criteria: GeneDx Variant Classification Process June 2021. Collection method: clinical testing. Allele origin: germline. Affected: yes.
Comment: Not observed at significant frequency in large population cohorts (gnomAD); In silico analysis supports that this missense variant has a deleterious effect on protein structure/function; Has not been previously published as pathogenic or benign to our knowledge; Variants in candidate genes are classified as variants of uncertain significance in accordance with ACMG guidelines (Richards et al., 2015)